The following is an entry in ClinVar:

NM_176824.3(BBS7):c.302T>A (p.Leu101His)

Gene: BBS7 (Bardet-Biedl syndrome 7; minus strand). Cytogenetic location: 4q27.
Variant type: single nucleotide variant.
Coding change: c.302T>A on transcript NM_176824.3 (MANE Select); coding-DNA position 302, T replaced by A.
Protein change: p.Leu101His; replaces leucine 101 with histidine.
Molecular consequence: missense variant.
Genome position (GRCh38, 1-based): chr4:121,861,543, A>T on the plus strand (T>A on the coding strand, the complement: BBS7 is on the minus strand). VCF-style: chr4-121861543-A-T. GRCh37 (hg19) VCF-style: chr4-122782698-A-T.
Other names: c.302T>A, p.Leu101His (NM_018190.4); c.302T>A (NM_176824.2); short protein forms L101H.
Identifiers: ClinVar variation 1172705 (VCV001172705.10), dbSNP rs760863058, ClinGen allele CA3064544.

ClinVar aggregate classification (germline): Uncertain significance. Review status: criteria provided, multiple submitters, no conflicts (2 of 4 stars). 4 submissions from 4 submitters: Uncertain significance (3). 1 of the submissions does not count toward it. Last evaluated 2022-04-05.

Conditions:
BBS7-related disorder. Also called: BBS7-related condition.
Bardet-Biedl syndrome (BBS). Identifiers: Orphanet 110, MedGen C0752166, MONDO:0015229.
Bardet-Biedl syndrome 7 (BBS7). Identifiers: Orphanet 110, MedGen C1859565, MONDO:0014435, OMIM 615984.

Allele frequency attached by ClinVar (database versions not stated): TOPMed below 0.00001; ExAC 0.00004.
gnomAD v4.1: 11 of 1,613,810 alleles (0.00068%); highest among the groups gnomAD compares: Admixed American, 0.017%; no homozygotes.

Submissions (4):

Fulgent Genetics
Classification: Uncertain significance for Bardet-Biedl syndrome 7. Last evaluated: 2022-04-05. Review status: criteria provided, single submitter. Criteria: ACMG Guidelines, 2015. Collection method: clinical testing. Allele origin: unknown.

Labcorp Genetics (formerly Invitae), Labcorp
Classification: Uncertain significance for Bardet-Biedl syndrome. Last evaluated: 2021-09-24. Review status: criteria provided, single submitter. Criteria: Invitae Variant Classification Sherloc (09022015). Collection method: clinical testing. Allele origin: germline.
Comment: This sequence change replaces leucine with histidine at codon 101 of the BBS7 protein (p.Leu101His). The leucine residue is highly conserved and there is a moderate physicochemical difference between leucine and histidine. This variant is present in population databases (rs760863058, ExAC 0.04%). This variant has not been reported in the literature in individuals affected with BBS7-related conditions. ClinVar contains an entry for this variant (Variation ID: 1172705). Algorithms developed to predict the effect of missense changes on protein structure and function (SIFT, PolyPhen-2, Align-GVGD) all suggest that this variant is likely to be disruptive. In summary, the available evidence is currently insufficient to determine the role of this variant in disease. Therefore, it has been classified as a Variant of Uncertain Significance.

DBGen Ocular Genomics
Classification: Uncertain significance for Bardet-Biedl syndrome 7. Last evaluated: 2021-05-19. Review status: criteria provided, single submitter. Criteria: ACMG Guidelines, 2015. Collection method: clinical testing. Allele origin: germline. Affected: yes. Observed: 1 variant allele.

PreventionGenetics, part of Exact Sciences
Classification: Uncertain significance for BBS7-related condition. Last evaluated: 2024-01-31. Review status: no assertion criteria provided. Collection method: clinical testing. Allele origin: germline. Not counted in ClinVar's aggregate classification.
Comment: The BBS7 c.302T>A variant is predicted to result in the amino acid substitution p.Leu101His. This variant was reported in the homozygous state in an individual with inherited retinal disease (Villanueva-Mendoza et al 2021. PubMed ID: 34828430). This variant is reported in 0.026% of alleles in individuals of Latino descent in gnomAD. At this time, the clinical significance of this variant is uncertain due to the absence of conclusive functional and genetic evidence.